The following is an entry in ClinVar:

ClinVar aggregate classification (germline): Uncertain significance. Review status: criteria provided, multiple submitters, no conflicts (2 of 4 stars). 2 submissions from 2 submitters: Uncertain significance (2). Last evaluated 2021-10-07.

Conditions:
Deficiency of butyryl-CoA dehydrogenase (ACADSD). Also called: Short-Chain Acyl-CoA Dehydrogenase Deficiency; SCAD DEFICIENCY, MILD; ACYL-CoA DEHYDROGENASE, SHORT-CHAIN, DEFICIENCY OF; ACADS DEFICIENCY; SCADH DEFICIENCY; SCAD Deficiency. Identifiers: Orphanet 26792, MedGen C0342783, MONDO:0008722, OMIM 201470. Disease mechanism: May be benign.

Allele frequency attached by ClinVar (database versions not stated): gnomAD exomes below 0.00001; gnomAD 0.00001.

Submissions (2):

Labcorp Genetics (formerly Invitae), Labcorp
Classification: Uncertain significance for Deficiency of butyryl-CoA dehydrogenase. Last evaluated: 2021-10-07. Review status: criteria provided, single submitter. Criteria: Invitae Variant Classification Sherloc (09022015). Collection method: clinical testing. Allele origin: germline.
Comment: Advanced modeling of protein sequence and biophysical properties (such as structural, functional, and spatial information, amino acid conservation, physicochemical variation, residue mobility, and thermodynamic stability) performed at Invitae indicates that this missense variant is expected to disrupt ACADS protein function. In summary, the available evidence is currently insufficient to determine the role of this variant in disease. Therefore, it has been classified as a Variant of Uncertain Significance. This variant is not present in population databases (ExAC no frequency). This variant has not been reported in the literature in individuals affected with ACADS-related conditions. This sequence change replaces glutamic acid with lysine at codon 156 of the ACADS protein (p.Glu156Lys). The glutamic acid residue is highly conserved and there is a small physicochemical difference between glutamic acid and lysine.

Breakthrough Genomics
Classification: Uncertain significance. Review status: criteria provided, single submitter. Criteria: ACMG Guidelines, 2015. Collection method: not provided. Allele origin: germline. Inheritance: Autosomal recessive inheritance. Affected: yes.

NM_000017.4(ACADS):c.466G>A (p.Glu156Lys)

Gene: ACADS (acyl-CoA dehydrogenase short chain; plus strand). Cytogenetic location: 12q24.31.
Variant type: single nucleotide variant.
Coding change: c.466G>A on transcript NM_000017.4 (MANE Select); coding-DNA position 466, G replaced by A.
Protein change: p.Glu156Lys; replaces glutamic acid 156 with lysine.
Molecular consequence: missense variant.
Genome position (GRCh38, 1-based): chr12:120,737,461, G>A. VCF-style: chr12-120737461-G-A. GRCh37 (hg19) VCF-style: chr12-121175264-G-A.
Other names: c.466G>A, p.Glu156Lys (NM_001302554.2); short protein forms E156K.
Identifiers: ClinVar variation 1396451 (VCV001396451.7), dbSNP rs1883492972, ClinGen allele CA386614466.